The following is an entry in ClinVar:

NM_001371623.1(TCOF1):c.3994G>A (p.Val1332Met)

Gene: TCOF1 (treacle ribosome biogenesis factor 1; plus strand). Cytogenetic location: 5q32.
Variant type: single nucleotide variant.
Coding change: c.3994G>A on transcript NM_001371623.1 (MANE Select); coding-DNA position 3994, G replaced by A.
Protein change: p.Val1332Met; replaces valine 1332 with methionine.
Molecular consequence: missense variant.
Genome position (GRCh38, 1-based): chr5:150,396,491, G>A. VCF-style: chr5-150396491-G-A. GRCh37 (hg19) VCF-style: chr5-149776054-G-A.
Other names: c.3760G>A, p.Val1254Met (NM_000356.4, NM_001437406.1); c.3991G>A, p.Val1331Met (NM_001135243.2); c.3880G>A, p.Val1294Met (NM_001135244.2); c.3763G>A, p.Val1255Met (NM_001135245.2); c.3877G>A, p.Val1293Met (NM_001195141.2); short protein forms V1254M, V1255M, V1293M, V1294M, V1331M, V1332M.
Identifiers: ClinVar variation 4279811 (VCV004279811.1).
Genomic context (GRCh38, chr5:150,396,491, plus strand): 5'-GTGCAGGCCTCAGTGGTGAAGGTCCTGACTGAGCTGCTGGAACAGGAAAGAAAGAAGGTG[G>A]TGGACACCACCAAGGAGAGCAGCAGGAAGGGCTGGGAGAGCCGCAAGCGGAAGCTATCGG-3'
Protein context (NP_001358552.1, residues 1322-1342): ELLEQERKKV[Val1332Met]DTTKESSRKG

ClinVar aggregate classification (germline): Uncertain significance (1 of 4 stars; one submission).

Conditions:
Treacher Collins syndrome 1 (TCS1). Also called: TCOF1-Related Treacher Collins Syndrome. Identifiers: Orphanet 861, MedGen CN315775, MONDO:0007944, OMIM 154500.

gnomAD v4.1: 1 of 1,613,714 alleles (0.000062%); highest among the groups gnomAD compares: Non-Finnish European, 0.000085%; no homozygotes.

Submission:

Clinical Genomics Laboratory, Washington University in St. Louis
Classification: Uncertain significance for Treacher Collins syndrome 1. Last evaluated: 2025-06-02. Review status: criteria provided, single submitter. Criteria: ACMG Guidelines, 2015. Collection method: clinical testing. Allele origin: germline.
Comment: The TCOF1 c.3994G>A (p.Val1332Met) variant, to our knowledge, has not been reported in the medical literature. This variant is only observed in 1/1,613,714 alleles in the general population (gnomAD v.4.1.0), indicating it is not a common variant. Computational predictors suggest that the variant does not impact TCOF1 function. Due to limited information, and based on ACMG/AMP guidelines for variant interpretation (Richards S et al., PMID: 25741868), the clinical significance of this variant is uncertain at this time.